The following is an entry in ClinVar:

NM_016284.5(CNOT1):c.7069G>A (p.Ala2357Thr)

Genes: CNOT1 (CCR4-NOT transcription complex subunit 1; minus strand), SETD6 (SET domain containing 6, protein lysine methyltransferase; plus strand). Cytogenetic location: 16q21.
Variant type: single nucleotide variant.
Coding change: c.7069G>A on transcript NM_016284.5 (MANE Select); coding-DNA position 7069, G replaced by A.
Protein change: p.Ala2357Thr; replaces alanine 2357 with threonine.
Molecular consequence: missense variant. On other transcripts: non-coding transcript variant (1), 3 prime UTR variant (1).
Genome position (GRCh38, 1-based): chr16:58,521,020, C>T on the plus strand (G>A on the coding strand, the complement: CNOT1 is on the minus strand). VCF-style: chr16-58521020-C-T. GRCh37 (hg19) VCF-style: chr16-58554924-C-T.
Other names: c.7054G>A, p.Ala2352Thr (NM_001265612.2); c.*1991C>T (NM_001160305.4); short protein forms A2357T, A2352T.
Identifiers: ClinVar variation 3781075 (VCV003781075.1).

ClinVar aggregate classification (germline): Uncertain significance (1 of 4 stars; one submission).

gnomAD v4.1: 3 of 1,613,982 alleles (0.00019%); highest among the groups gnomAD compares: South Asian, 0.0011%; no homozygotes.

Submission:

GeneDx
Classification: Uncertain significance. Last evaluated: 2024-10-07. Review status: criteria provided, single submitter. Criteria: GeneDx Variant Classification Process June 2021. Collection method: clinical testing. Allele origin: germline. Affected: yes.
Comment: Not observed at significant frequency in large population cohorts (gnomAD); In silico analysis supports that this missense variant has a deleterious effect on protein structure/function; Has not been previously published as pathogenic or benign to our knowledge